The following is an entry in ClinVar:

ClinVar aggregate classification (germline): Pathogenic (1 of 4 stars; one submission).

Conditions:
Primary hyperoxaluria type 3. Also called: PH III. Identifiers: Orphanet 416, Orphanet 93600, MedGen C3150878, MONDO:0013327, OMIM 613616. Disease mechanism: loss of function.

Allele frequency attached by ClinVar (database versions not stated): gnomAD exomes below 0.00001.
gnomAD v4.1: 2 of 1,614,230 alleles (0.00012%); highest among the groups gnomAD compares: South Asian, 0.0011%; no homozygotes.

Submission:

Clinical Biochemistry Laboratory, Health Services Laboratory
Classification: Pathogenic for Primary hyperoxaluria type 3. Last evaluated: 2023-10-27. Review status: criteria provided, single submitter. Criteria: ACMG Guidelines, 2015. Collection method: curation. Allele origin: germline.
Comment: ACMG:PVS1 PM2 PP3

NM_138413.4(HOGA1):c.881G>A (p.Trp294Ter)

Gene: HOGA1 (4-hydroxy-2-oxoglutarate aldolase 1; plus strand). Cytogenetic location: 10q24.2.
Variant type: single nucleotide variant.
Coding change: c.881G>A on transcript NM_138413.4 (MANE Select); coding-DNA position 881, G replaced by A.
Protein change: p.Trp294Ter; replaces tryptophan 294 with a stop codon.
Molecular consequence: nonsense.
Genome position (GRCh38, 1-based): chr10:97,611,556, G>A. VCF-style: chr10-97611556-G-A. GRCh37 (hg19) VCF-style: chr10-99371313-G-A.
Other names: c.392G>A, p.Trp131Ter (NM_001134670.2); short protein forms W131*, W294*.
Identifiers: ClinVar variation 2664410 (VCV002664410.1), dbSNP rs1266297781, ClinGen allele CA377983402.